The following is an entry in ClinVar:

NM_003108.4(SOX11):c.361C>T (p.Arg121Trp)

Gene: SOX11 (SRY-box transcription factor 11; plus strand). Cytogenetic location: 2p25.2.
Variant type: single nucleotide variant.
Coding change: c.361C>T on transcript NM_003108.4 (MANE Select); coding-DNA position 361, C replaced by T.
Protein change: p.Arg121Trp; replaces arginine 121 with tryptophan.
Molecular consequence: missense variant.
Genome position (GRCh38, 1-based): chr2:5,693,082, C>T. VCF-style: chr2-5693082-C-T. GRCh37 (hg19) VCF-style: chr2-5833214-C-T.
Other names: short protein forms R121W.
Identifiers: ClinVar variation 3032780 (VCV003032780.2), dbSNP rs1215459755, ClinGen allele CA345866543.

ClinVar aggregate classification (germline): Likely pathogenic. Review status: criteria provided, single submitter (1 of 4 stars). 2 submissions from 2 submitters: Likely pathogenic (1). 1 of the submissions does not count toward it. Last evaluated 2026-03-30.

Conditions:
Intellectual developmental disorder with microcephaly and with or without ocular malformations or hypogonadotropic hypogonadism. Also called: Intellectual disability, autosomal dominant 27; Coffin-Siris Syndrome 9. Identifiers: Orphanet 1465, MedGen C4014528, MONDO:0014376, OMIM 615866.
SOX11-related disorder. Also called: SOX11-related condition.

Submissions (2):

Institute of Medical Genetics and Applied Genomics, University Hospital Tübingen
Classification: Likely pathogenic for Intellectual developmental disorder with microcephaly and with or without ocular malformations or hypogonadotropic hypogonadism. Last evaluated: 2026-03-30. Review status: criteria provided, single submitter. Criteria: ACMG Guidelines, 2015. Collection method: clinical testing. Allele origin: de novo. Inheritance: Autosomal dominant inheritance. Affected: yes.

PreventionGenetics, part of Exact Sciences
Classification: Likely pathogenic for SOX11-related condition. Last evaluated: 2024-01-12. Review status: no assertion criteria provided. Collection method: clinical testing. Allele origin: germline. Not counted in ClinVar's aggregate classification.
Comment: The SOX11 c.361C>T variant is predicted to result in the amino acid substitution p.Arg121Trp. To our knowledge, this variant has not been reported in the literature or in a large population database, indicating this variant is rare. This variant is interpreted as likely pathogenic.